The following is an entry in ClinVar:

NM_002485.5(NBN):c.1382C>T (p.Pro461Leu)

Gene: NBN (nibrin; minus strand). Cytogenetic location: 8q21.3.
Variant type: single nucleotide variant.
Coding change: c.1382C>T on transcript NM_002485.5 (MANE Select); coding-DNA position 1382, C replaced by T.
Protein change: p.Pro461Leu; replaces proline 461 with leucine.
Molecular consequence: missense variant.
Genome position (GRCh38, 1-based): chr8:89,955,298, G>A on the plus strand (C>T on the coding strand, the complement: NBN is on the minus strand). VCF-style: chr8-89955298-G-A. GRCh37 (hg19) VCF-style: chr8-90967526-G-A.
Other names: c.1136C>T, p.Pro379Leu (NM_001024688.3); short protein forms P461L, P379L.
Identifiers: ClinVar variation 461508 (VCV000461508.37), dbSNP rs367760321, ClinGen allele CA4802760.

ClinVar aggregate classification (germline): Conflicting classifications of pathogenicity. Review status: criteria provided, conflicting classifications (1 of 4 stars). 11 submissions from 11 submitters: Uncertain significance (9); Likely benign (1). 1 of the submissions does not count toward it. Last evaluated 2026-05-27.

Conditions:
NBN-related disorder. Also called: NBN-related condition.
Hereditary cancer-predisposing syndrome. Also called: Tumor predisposition; Hereditary neoplastic syndrome; Neoplastic Syndromes, Hereditary; Hereditary Cancer Syndrome. Identifiers: Orphanet 140162, MedGen C0027672, MeSH D009386, MONDO:0015356.
Microcephaly, normal intelligence and immunodeficiency (NBS). Also called: IMMUNODEFICIENCY, MICROCEPHALY, AND CHROMOSOMAL INSTABILITY; SEEMANOVA SYNDROME II; Microcephaly with normal intelligence immunodeficiency and lymphoreticular malignancies; Nonsyndromal microcephaly autosomal recessive with normal intelligence; Seemanova syndrome 2; BERLIN BREAKAGE SYNDROME. Identifiers: Orphanet 647, MedGen C0398791, MONDO:0009623, OMIM 251260.
Aplastic anemia. Identifiers: Orphanet 182040, Orphanet 88, MedGen C0002874, MONDO:0015909, OMIM 609135, HP:0001915.

Allele frequency attached by ClinVar (database versions not stated): gnomAD exomes 0.00001 and 0.00003; ExAC 0.00003; gnomAD 0.00007; TOPMed 0.00010; ESP Exome Variant Server 0.00015.
gnomAD v4.1: 28 of 1,613,062 alleles (0.0017%); highest among the groups gnomAD compares: African/African-American, 0.021%; no homozygotes.

Submissions (11):

Women's Health and Genetics/Laboratory Corporation of America, LabCorp
Classification: Uncertain significance. Last evaluated: 2026-05-27. Review status: criteria provided, single submitter. Criteria: LabCorp Variant Classification Summary - May 2015. Collection method: clinical testing. Allele origin: germline.
Comment: Variant summary: NBN c.1382C>T (p.Pro461Leu) results in a non-conservative amino acid change in the encoded protein sequence. Algorithms developed to predict the effect of missense changes on protein structure and function are either unavailable or do not agree on the potential impact of this missense change. The variant allele was found at a frequency of 3.2e-05 in 251072 control chromosomes. The available data on variant occurrences in the general population are insufficient to allow any conclusion about variant significance. c.1382C>T has been observed in individual(s) affected with breast cancer (example, Tung_2015, Fonfria_2021). These report(s) do not provide unequivocal conclusions about association of the variant with disease. To our knowledge, no experimental evidence demonstrating an impact on protein function has been reported. The following publications have been ascertained in the context of this evaluation (PMID: 34204722, 25186627). ClinVar contains an entry for this variant (Variation ID: 461508). Based on the evidence outlined above, the variant was classified as uncertain significance.

Quest Diagnostics Nichols Institute San Juan Capistrano
Classification: Uncertain significance. Last evaluated: 2025-09-24. Review status: criteria provided, single submitter. Criteria: Quest Diagnostics criteria. Collection method: clinical testing. Allele origin: unknown.
Comment: The NBN c.1382C>T (p.Pro461Leu) variant has been reported in the published literature in individuals affected with breast cancer (PMIDs: 25186627 (2015), 34204722 (2021), and 33471991 (2021); see also LOVD). The frequency of this variant in the general population (Genome Aggregation Database) is uninformative in the assessment of its pathogenicity. Analysis of this variant using bioinformatics tools for the prediction of the effect of amino acid changes on protein structure and function yielded predictions that this variant is benign. Based on the available information, we are unable to determine the clinical significance of this variant.

PreventionGenetics, part of Exact Sciences
Classification: Uncertain significance for NBN-related condition. Last evaluated: 2024-10-23. Review status: criteria provided, single submitter. Criteria: ACMG Guidelines, 2015. Collection method: clinical testing. Allele origin: germline.
Comment: The NBN c.1382C>T variant is predicted to result in the amino acid substitution p.Pro461Leu. This variant has been reported in an individual with breast cancer (Tung et al. 2015. PubMed ID: 25186627). This variant is reported in 0.032% of alleles in individuals of African descent in gnomAD and is interpreted as uncertain in ClinVar. At this time, the clinical significance of this variant is uncertain due to the absence of conclusive functional and genetic evidence.

Baylor Genetics
Classification: Uncertain significance for Aplastic anemia. Last evaluated: 2024-01-31. Review status: criteria provided, single submitter. Criteria: ACMG Guidelines, 2015. Collection method: clinical testing. Allele origin: unknown.

GeneDx
Classification: Uncertain significance. Last evaluated: 2023-09-01. Review status: criteria provided, single submitter. Criteria: GeneDx Variant Classification Process June 2021. Collection method: clinical testing. Allele origin: germline. Affected: yes.
Comment: In silico analysis supports that this missense variant has a deleterious effect on protein structure/function; Observed in an individual with breast cancer (Tung et al., 2015); This variant is associated with the following publications: (PMID: 25186627, 34204722, 24894818, 33471991)

Ambry Genetics
Classification: Likely benign for Hereditary cancer-predisposing syndrome. Last evaluated: 2023-04-03. Review status: criteria provided, single submitter. Criteria: Ambry Variant Classification Scheme 2023. Collection method: clinical testing. Allele origin: germline.

Labcorp Genetics (formerly Invitae), Labcorp
Classification: Uncertain significance for Microcephaly, normal intelligence and immunodeficiency. Last evaluated: 2022-10-26. Review status: criteria provided, single submitter. Criteria: Invitae Variant Classification Sherloc (09022015). Collection method: clinical testing. Allele origin: germline.
Comment: This sequence change replaces proline, which is neutral and non-polar, with leucine, which is neutral and non-polar, at codon 461 of the NBN protein (p.Pro461Leu). This variant is present in population databases (rs367760321, gnomAD 0.03%). This missense change has been observed in individual(s) with breast cancer (PMID: 25186627). ClinVar contains an entry for this variant (Variation ID: 461508). Algorithms developed to predict the effect of missense changes on protein structure and function are either unavailable or do not agree on the potential impact of this missense change (SIFT: "Deleterious"; PolyPhen-2: "Benign"; Align-GVGD: "Class C0"). In summary, the available evidence is currently insufficient to determine the role of this variant in disease. Therefore, it has been classified as a Variant of Uncertain Significance.

Genome-Nilou Lab
Classification: Uncertain significance for Microcephaly, normal intelligence and immunodeficiency. Last evaluated: 2021-11-07. Review status: criteria provided, single submitter. Criteria: ACMG Guidelines, 2015. Collection method: clinical testing. Allele origin: germline. Affected: no.

Sema4
Classification: Uncertain significance for Hereditary cancer-predisposing syndrome. Last evaluated: 2021-09-15. Review status: criteria provided, single submitter. Criteria: Sema4 Curation Guidelines. Collection method: curation. Allele origin: germline.
Comment: The NBN c.1382C>T (p.P461L) variant has been reported in at least three individuals with breast cancer (PMID: 25186627, 33471991, 34204722). It was observed in 8/24904 chromosomes of the African/African American subpopulation, with no homozygotes, in the large and broad cohorts of the Genome Aggregation Database (PMID: 32461654). The variant has been reported in ClinVar (Variation ID: 461508). In silico tools suggest the impact of the variant on protein function is benign, though these predictions have not been confirmed by functional studies. The evidence is insufficient to meet ACMG/AMP criteria for classifying the variant as benign or pathogenic. Thus, the clinical significance of this variant is currently uncertain.

Genetic Services Laboratory, University of Chicago
Classification: Uncertain significance. Last evaluated: 2021-07-29. Review status: criteria provided, single submitter. Criteria: ACMG Guidelines, 2015. Collection method: clinical testing. Allele origin: germline. Affected: no.
Comment: DNA sequence analysis of the NBN gene demonstrated a sequence change, c.1382C>T, in exon 10 that results in an amino acid change, p.Pro461Leu. This sequence change has been described in the gnomAD database with a frequency of 0.032% in the African/African-American subpopulation (dbSNP rs367760321). The p.Pro461Leu change affects a moderately conserved amino acid residue located in a domain of the NBN protein that is known to be functional. In-silico pathogenicity prediction tools (SIFT, PolyPhen2, Align GVGD, REVEL) provide contradictory results for the p.Pro461Leu substitution. This sequence change does not appear to have been previously described in individuals with NBN-related disorders. Due to insufficient evidences and the lack of functional studies, the clinical significance of the p.Pro461Leu change remains unknown at this time.

Natera, Inc.
Classification: Uncertain significance for Nijmegen breakage syndrome. Last evaluated: 2020-07-05. Review status: no assertion criteria provided. Collection method: clinical testing. Allele origin: germline. Not counted in ClinVar's aggregate classification.

Literature cited by the submitters: PubMed 25186627 (cited by 5 submitters); PubMed 34204722 (cited by 3 submitters); PubMed 33471991 (cited by Quest Diagnostics Nichols Institute San Juan Capistrano and Sema4).